The following is an entry in ClinVar:

ClinVar aggregate classification (germline): Uncertain significance (1 of 4 stars; one submission).

Submission:

GeneDx
Classification: Uncertain significance. Last evaluated: 2022-12-27. Review status: criteria provided, single submitter. Criteria: GeneDx Variant Classification Process June 2021. Collection method: clinical testing. Allele origin: germline. Affected: yes.
Comment: Not observed at significant frequency in large population cohorts (gnomAD); In silico analysis supports that this missense variant does not alter protein structure/function; Has not been previously published as pathogenic or benign to our knowledge

NM_001291303.3(FAT4):c.13652A>G (p.Lys4551Arg)

Gene: FAT4 (FAT atypical cadherin 4; plus strand). Cytogenetic location: 4q28.1.
Variant type: single nucleotide variant.
Coding change: c.13652A>G on transcript NM_001291303.3 (MANE Select); coding-DNA position 13652, A replaced by G.
Protein change: p.Lys4551Arg; replaces lysine 4551 with arginine.
Molecular consequence: missense variant.
Genome position (GRCh38, 1-based): chr4:125,490,468, A>G. VCF-style: chr4-125490468-A-G. GRCh37 (hg19) VCF-style: chr4-126411623-A-G.
Other names: c.13649A>G, p.Lys4550Arg (NM_001291285.3); c.13646A>G, p.Lys4549Arg (NM_024582.6); short protein forms K4549R, K4550R, K4551R.
Identifiers: ClinVar variation 2507093 (VCV002507093.1), dbSNP rs2126096929, ClinGen allele CA358137476.